The following is an entry in ClinVar:

NM_001018115.3(FANCD2):c.1753A>G (p.Met585Val)

Genes: FANCD2 (FA complementation group D2; plus strand), LOC107303338 (3p25 FANCD2 Alu-mediated recombination region; plus strand). Cytogenetic location: 3p25.3.
Variant type: single nucleotide variant.
Coding change: c.1753A>G on transcript NM_001018115.3 (MANE Select); coding-DNA position 1753, A replaced by G.
Protein change: p.Met585Val; replaces methionine 585 with valine.
Molecular consequence: missense variant.
Genome position (GRCh38, 1-based): chr3:10,060,390, A>G. VCF-style: chr3-10060390-A-G. GRCh37 (hg19) VCF-style: chr3-10102074-A-G.
Other names: c.1753A>G, p.Met585Val (NM_001319984.2, NM_001374254.1, NM_033084.6); c.1642A>G, p.Met548Val (NM_001374253.1); short protein forms M548V, M585V.
Identifiers: ClinVar variation 2141401 (VCV002141401.3), dbSNP rs2087531536, ClinGen allele CA351727360.

ClinVar aggregate classification (germline): Uncertain significance (1 of 4 stars; one submission).

Conditions:
Fanconi anemia (FA). Also called: Fanconi's anemia. Identifiers: Orphanet 84, MedGen C0015625, MeSH D005199, MONDO:0019391.

Allele frequency attached by ClinVar (database versions not stated): gnomAD exomes below 0.00001; TOPMed below 0.00001.
gnomAD v4.1: 1 of 1,613,746 alleles (0.000062%); highest among the groups gnomAD compares: Non-Finnish European, 0.000085%; no homozygotes.

Submission:

Labcorp Genetics (formerly Invitae), Labcorp
Classification: Uncertain significance for Fanconi anemia. Last evaluated: 2024-04-29. Review status: criteria provided, single submitter. Criteria: Invitae Variant Classification Sherloc (09022015). Collection method: clinical testing. Allele origin: germline.
Comment: This sequence change replaces methionine, which is neutral and non-polar, with valine, which is neutral and non-polar, at codon 585 of the FANCD2 protein (p.Met585Val). This variant is not present in population databases (gnomAD no frequency). This variant has not been reported in the literature in individuals affected with FANCD2-related conditions. ClinVar contains an entry for this variant (Variation ID: 2141401). Advanced modeling of protein sequence and biophysical properties (such as structural, functional, and spatial information, amino acid conservation, physicochemical variation, residue mobility, and thermodynamic stability) performed at Invitae indicates that this missense variant is not expected to disrupt FANCD2 protein function with a negative predictive value of 80%. In summary, the available evidence is currently insufficient to determine the role of this variant in disease. Therefore, it has been classified as a Variant of Uncertain Significance.